The following is an entry in ClinVar:

NM_000212.3(ITGB3):c.1367C>T (p.Thr456Ile)

Gene: ITGB3 (integrin subunit beta 3; plus strand). Cytogenetic location: 17q21.32.
Variant type: single nucleotide variant.
Coding change: c.1367C>T on transcript NM_000212.3 (MANE Select); coding-DNA position 1367, C replaced by T.
Protein change: p.Thr456Ile; replaces threonine 456 with isoleucine.
Molecular consequence: missense variant.
Genome position (GRCh38, 1-based): chr17:47,292,245, C>T. VCF-style: chr17-47292245-C-T. GRCh37 (hg19) VCF-style: chr17-45369611-C-T.
Other names: short protein forms T456I.
Identifiers: ClinVar variation 4744580 (VCV004744580.1).
Genomic context (GRCh38, chr17:47,292,245, plus strand): 5'-AGGAGAAGTCCTTTACCATAAAGCCCGTGGGCTTCAAGGACAGCCTGATCGTCCAGGTCA[C>T]CTTTGATTGTGACTGTGCCTGCCAGGCCCAAGCTGAACCTAATAGCCATCGCTGCAACAA-3'
Protein context (NP_000203.2, residues 446-466): GFKDSLIVQV[Thr456Ile]FDCDCACQAQ

ClinVar aggregate classification (germline): Uncertain significance (1 of 4 stars; one submission).

gnomAD v4.1: 4 of 1,614,208 alleles (0.00025%); highest among the groups gnomAD compares: Non-Finnish European, 0.00025%; no homozygotes.

Submission:

Labcorp Genetics (formerly Invitae), Labcorp
Classification: Uncertain significance. Last evaluated: 2025-10-27. Review status: criteria provided, single submitter. Criteria: Invitae Variant Classification Sherloc (09022015). Collection method: clinical testing. Allele origin: germline.
Comment: This sequence change replaces threonine, which is neutral and polar, with isoleucine, which is neutral and non-polar, at codon 456 of the ITGB3 protein (p.Thr456Ile). This variant is present in population databases (no rsID available, gnomAD 0.003%). This variant has not been reported in the literature in individuals affected with ITGB3-related conditions. Invitae Evidence Modeling of protein sequence and biophysical properties (such as structural, functional, and spatial information, amino acid conservation, physicochemical variation, residue mobility, and thermodynamic stability) has been performed for this missense variant. However, the output from this modeling did not meet the statistical confidence thresholds required to predict the impact of this variant on ITGB3 protein function. In summary, the available evidence is currently insufficient to determine the role of this variant in disease. Therefore, it has been classified as a Variant of Uncertain Significance.